The following is an entry in ClinVar:

ClinVar aggregate classification (germline): Benign (1 of 4 stars; one submission).

Allele frequency attached by ClinVar (database versions not stated): 1000 Genomes Project 0.04473; 1000 Genomes Project 30x 0.04841; gnomAD 0.05209 and 0.05353; TOPMed 0.05624.

Submissions (7):

GeneDx
Classification: Benign. Last evaluated: 2018-06-15. Review status: criteria provided, single submitter. Criteria: GeneDx Variant Classification (06012015). Collection method: clinical testing. Allele origin: germline. Affected: yes.
Comment: This variant is considered likely benign or benign based on one or more of the following criteria: it is a conservative change, it occurs at a poorly conserved position in the protein, it is predicted to be benign by multiple in silico algorithms, and/or has population frequency not consistent with disease.

Dr. Peter K. Rogan Lab, Western University
No classification provided (evidence only). Condition: Uterine corpus endometrial carcinoma. Review status: no classification provided. Collection method: in vitro. Allele origin: not applicable. Functional consequence: retained intron. Not counted in ClinVar's aggregate classification.

Dr. Peter K. Rogan Lab, Western University
No classification provided (evidence only). Condition: Uterine corpus endometrial carcinoma. Review status: no classification provided. Collection method: in vitro. Allele origin: not applicable. Functional consequence: retained intron. Not counted in ClinVar's aggregate classification.

Dr. Peter K. Rogan Lab, Western University
No classification provided (evidence only). Condition: Cervical cancer. Review status: no classification provided. Collection method: in vitro. Allele origin: not applicable. Functional consequence: retained intron. Not counted in ClinVar's aggregate classification.

Dr. Peter K. Rogan Lab, Western University
No classification provided (evidence only). Condition: Sarcoma. Review status: no classification provided. Collection method: in vitro. Allele origin: not applicable. Functional consequence: retained intron. Not counted in ClinVar's aggregate classification.

Dr. Peter K. Rogan Lab, Western University
No classification provided (evidence only). Condition: Sarcoma. Review status: no classification provided. Collection method: in vitro. Allele origin: not applicable. Functional consequence: retained intron. Not counted in ClinVar's aggregate classification.

Dr. Peter K. Rogan Lab, Western University
No classification provided (evidence only). Condition: Malignant lymphoma, large B-cell, diffuse. Review status: no classification provided. Collection method: in vitro. Allele origin: not applicable. Functional consequence: retained intron. Not counted in ClinVar's aggregate classification.

NM_002907.4(RECQL):c.949+169G>T

Gene: RECQL (RecQ like helicase; minus strand). Cytogenetic location: 12p12.1.
Variant type: single nucleotide variant.
Coding change: c.949+169G>T on transcript NM_002907.4 (MANE Select); 169 bases into the intron after coding-DNA position 949, G replaced by T.
Molecular consequence: intron variant.
Genome position (GRCh38, 1-based): chr12:21,476,742, C>A on the plus strand (G>T on the coding strand, the complement: RECQL is on the minus strand). VCF-style: chr12-21476742-C-A. GRCh37 (hg19) VCF-style: chr12-21629676-C-A.
Other names: NC_000012.11:g.21629676C>A; c.949+169G>T (NM_032941.3).
Identifiers: ClinVar variation 679710 (VCV000679710.2), dbSNP rs73249910, ClinGen allele CA13615887.